The following is an entry in ClinVar:

NM_017970.4(NRDE2):c.2574C>T (p.Pro858=)

Gene: NRDE2 (NRDE-2, necessary for RNA interference, domain containing; minus strand). Cytogenetic location: 14q32.11.
Variant type: single nucleotide variant.
Coding change: c.2574C>T on transcript NM_017970.4 (MANE Select); coding-DNA position 2574, C replaced by T.
Protein change: p.Pro858=; no amino-acid change (proline 858 retained).
Molecular consequence: synonymous variant.
Genome position (GRCh38, 1-based): chr14:90,288,801, G>A on the plus strand (C>T on the coding strand, the complement: NRDE2 is on the minus strand). VCF-style: chr14-90288801-G-A. GRCh37 (hg19) VCF-style: chr14-90755145-G-A.
Identifiers: ClinVar variation 2644449 (VCV002644449.24), dbSNP rs151274632, ClinGen allele CA7304999.

ClinVar aggregate classification (germline): Likely benign (1 of 4 stars; one submission).

Allele frequency attached by ClinVar (database versions not stated): 1000 Genomes Project 30x 0.00281; 1000 Genomes Project 0.00300; gnomAD 0.00441; ExAC 0.00531; ESP Exome Variant Server 0.00531; TOPMed 0.00562; gnomAD exomes 0.00669.
gnomAD v4.1: 10,606 of 1,614,136 alleles (0.66%); highest among the groups gnomAD compares: Non-Finnish European, 0.75%; 75 homozygotes.

Submission:

CeGaT Center for Human Genetics Tuebingen
Classification: Likely benign. Last evaluated: 2023-04-01. Review status: criteria provided, single submitter. Criteria: CeGaT Center For Human Genetics Tuebingen Variant Classification Criteria Version 2. Collection method: clinical testing. Allele origin: germline. Affected: yes. Observed: 2 variant alleles.
Comment: NRDE2: BP4, BP7, BS2